The following is an entry in ClinVar:

ClinVar aggregate classification (germline): Uncertain significance (1 of 4 stars; one submission).

Submission:

Labcorp Genetics (formerly Invitae), Labcorp
Classification: Uncertain significance. Last evaluated: 2022-08-21. Review status: criteria provided, single submitter. Criteria: Invitae Variant Classification Sherloc (09022015). Collection method: clinical testing. Allele origin: germline.
Comment: This variant is not present in population databases (gnomAD no frequency). In summary, the available evidence is currently insufficient to determine the role of this variant in disease. Therefore, it has been classified as a Variant of Uncertain Significance. Algorithms developed to predict the effect of missense changes on protein structure and function (SIFT, PolyPhen-2, Align-GVGD) all suggest that this variant is likely to be disruptive. ClinVar contains an entry for this variant (Variation ID: 1379764). This variant has not been reported in the literature in individuals affected with EYS-related conditions. This sequence change replaces glutamic acid, which is acidic and polar, with valine, which is neutral and non-polar, at codon 2318 of the EYS protein (p.Glu2318Val).

NM_001142800.2(EYS):c.6953A>T (p.Glu2318Val)

Gene: EYS (EGF-like photoreceptor maintenance factor; minus strand). Cytogenetic location: 6q12.
Variant type: single nucleotide variant.
Coding change: c.6953A>T on transcript NM_001142800.2 (MANE Select); coding-DNA position 6953, A replaced by T.
Protein change: p.Glu2318Val; replaces glutamic acid 2318 with valine.
Molecular consequence: missense variant.
Genome position (GRCh38, 1-based): chr6:63,984,485, T>A on the plus strand (A>T on the coding strand, the complement: EYS is on the minus strand). VCF-style: chr6-63984485-T-A. GRCh37 (hg19) VCF-style: chr6-64694378-T-A.
Other names: c.6953A>T, p.Glu2318Val (NM_001292009.2); short protein forms E2318V.
Identifiers: ClinVar variation 1379764 (VCV001379764.6), dbSNP rs1309758535, ClinGen allele CA364388643.